The following is an entry in ClinVar:

ClinVar aggregate classification (germline): Uncertain significance (1 of 4 stars; one submission).

gnomAD v4.1: 5 of 1,613,942 alleles (0.00031%); highest among the groups gnomAD compares: Non-Finnish European, 0.00042%; no homozygotes.

Submission:

Ambry Genetics
Classification: Uncertain significance. Last evaluated: 2025-08-20. Review status: criteria provided, single submitter. Criteria: Ambry Variant Classification Scheme 2023. Collection method: clinical testing. Allele origin: germline.
Comment: The p.R350G variant (also known as c.1048A>G), located in coding exon 3 of the WNK2 gene, results from an A to G substitution at nucleotide position 1048. The arginine at codon 350 is replaced by glycine, an amino acid with dissimilar properties. This amino acid position is conserved. In addition, the in silico prediction for this alteration is inconclusive. Based on the available evidence, the clinical significance of this variant remains unclear.

NM_006648.4(WNK2):c.1048A>G (p.Arg350Gly)

Gene: WNK2 (WNK lysine deficient protein kinase 2; plus strand). Cytogenetic location: 9q22.31.
Variant type: single nucleotide variant.
Coding change: c.1048A>G on transcript NM_006648.4 (MANE Select); coding-DNA position 1048, A replaced by G.
Protein change: p.Arg350Gly; replaces arginine 350 with glycine.
Molecular consequence: missense variant.
Genome position (GRCh38, 1-based): chr9:93,231,081, A>G. VCF-style: chr9-93231081-A-G. GRCh37 (hg19) VCF-style: chr9-95993363-A-G.
Other names: c.1048A>G, p.Arg350Gly (NM_001282394.3); short protein forms R350G.
Identifiers: ClinVar variation 4201785 (VCV004201785.1).
Genomic context (GRCh38, chr9:93,231,081, plus strand): 5'-TTCATCACCGGACCAACTGGGTCTGTGAAGATTGGCGACTTGGGCCTGGCCACTCTGAAA[A>G]GAGCGTCATTTGCCAAAAGTGTGATAGGTAAACCTGCTTCTCCTCCCCAGGCCCTTGGAG-3'
Protein context (NP_006639.3, residues 340-360): IGDLGLATLK[Arg350Gly]ASFAKSVIGT